The following is an entry in ClinVar:

NM_004360.5(CDH1):c.2195G>T (p.Arg732Leu)

Gene: CDH1 (cadherin 1; plus strand). Cytogenetic location: 16q22.1.
Variant type: single nucleotide variant.
Coding change: c.2195G>T on transcript NM_004360.5 (MANE Select); coding-DNA position 2195, G replaced by T.
Protein change: p.Arg732Leu; replaces arginine 732 with leucine.
Molecular consequence: missense variant.
Genome position (GRCh38, 1-based): chr16:68,828,204, G>T. VCF-style: chr16-68828204-G-T. GRCh37 (hg19) VCF-style: chr16-68862107-G-T.
Other names: c.2012G>T, p.Arg671Leu (NM_001317184.2); c.647G>T, p.Arg216Leu (NM_001317185.2); c.230G>T, p.Arg77Leu (NM_001317186.2); c.2195G>T (NM_004360.4); short protein forms R216L, R671L, R732L, R77L.
Identifiers: ClinVar variation 843802 (VCV000843802.16), dbSNP rs1060501244, ClinGen allele CA396469477.

ClinVar aggregate classification (germline): Uncertain significance. Review status: criteria provided, multiple submitters, no conflicts (2 of 4 stars). 6 submissions from 6 submitters: Uncertain significance (6). Last evaluated 2025-10-17.

Conditions:
Hereditary cancer-predisposing syndrome. Also called: Neoplastic Syndromes, Hereditary; Hereditary neoplastic syndrome; Tumor predisposition; Hereditary Cancer Syndrome. Identifiers: Orphanet 140162, MedGen C0027672, MeSH D009386, MONDO:0015356.
Hereditary diffuse gastric adenocarcinoma (HDGC). Also called: DIFFUSE GASTRIC AND LOBULAR BREAST CANCER SYNDROME. Identifiers: Orphanet 26106, MedGen C1708349, MONDO:0007648, OMIM 137215.
Familial cancer of breast. Also called: hereditary breast carcinoma; BREAST CANCER, FAMILIAL; Hereditary breast cancer. Identifiers: Orphanet 227535, MedGen C0346153, MONDO:0016419, OMIM 114480. Disease mechanism: loss of function.

Allele frequency attached by ClinVar (database versions not stated): gnomAD exomes 0.00001.

Submissions (6):

Ambry Genetics
Classification: Uncertain significance for Hereditary cancer-predisposing syndrome. Last evaluated: 2025-10-17. Review status: criteria provided, single submitter. Criteria: Ambry Variant Classification Scheme 2023. Collection method: clinical testing. Allele origin: germline.
Comment: The p.R732L variant (also known as c.2195G>T), located in coding exon 14 of the CDH1 gene, results from a G to T substitution at nucleotide position 2195. The arginine at codon 732 is replaced by leucine, an amino acid with dissimilar properties. This amino acid position is well conserved in available vertebrate species. In addition, the in silico prediction for this alteration is inconclusive. Based on the available evidence, the clinical significance of this variant remains unclear.

Quest Diagnostics Nichols Institute San Juan Capistrano
Classification: Uncertain significance. Last evaluated: 2025-04-15. Review status: criteria provided, single submitter. Criteria: Quest Diagnostics criteria. Collection method: clinical testing. Allele origin: unknown.
Comment: The CDH1 c.2195G>T (p.Arg732Leu) variant has been reported in the published literature in individuals with breast cancer (PMID: 33471991 (2021), see also LOVD), and colorectal cancer (PMID: 33365374 (2021)). The frequency of this variant in the general population (Genome Aggregation Database) is uninformative in the assessment of its pathogenicity. Analysis of this variant using bioinformatics tools for the prediction of the effect of amino acid changes on protein structure and function yielded conflicting predictions that this variant is benign or damaging. Based on the available information, we are unable to determine the clinical significance of this variant.

Labcorp Genetics (formerly Invitae), Labcorp
Classification: Uncertain significance for Hereditary diffuse gastric adenocarcinoma. Last evaluated: 2024-04-04. Review status: criteria provided, single submitter. Criteria: Invitae Variant Classification Sherloc (09022015). Collection method: clinical testing. Allele origin: germline.
Comment: This sequence change replaces arginine, which is basic and polar, with leucine, which is neutral and non-polar, at codon 732 of the CDH1 protein (p.Arg732Leu). This variant is present in population databases (no rsID available, gnomAD 0.002%). This variant has not been reported in the literature in individuals affected with CDH1-related conditions. ClinVar contains an entry for this variant (Variation ID: 843802). An algorithm developed to predict the effect of missense changes on protein structure and function (PolyPhen-2) suggests that this variant is likely to be disruptive. This variant disrupts the p.Arg732 amino acid residue in CDH1. Other variant(s) that disrupt this residue have been determined to be pathogenic (PMID: 15235021, 17545690, 18442100, 26072394). This suggests that this residue is clinically significant, and that variants that disrupt this residue are likely to be disease-causing. In summary, the available evidence is currently insufficient to determine the role of this variant in disease. Therefore, it has been classified as a Variant of Uncertain Significance.

Color Diagnostics, LLC DBA Color Health
Classification: Uncertain significance for Hereditary cancer-predisposing syndrome. Last evaluated: 2024-01-29. Review status: criteria provided, single submitter. Criteria: ACMG Guidelines, 2015. Collection method: clinical testing. Allele origin: germline.
Comment: This missense variant replaces arginine with leucine at codon 732 of the CDH1 protein. To our knowledge, functional studies have not been reported for this variant. In a large breast cancer case-control study, this variant has been reported in 1/60466 cases and 0/53461 unaffected controls (PMID: 33471991). This variant has been identified in 2/251436 chromosomes in the general population by the Genome Aggregation Database (gnomAD). A different variant affecting the same codon, c.2195G>A (p.Arg732Gln), is considered to be disease-causing (ClinVar variation ID: 406663). The available evidence is insufficient to determine the role of this variant in disease conclusively. Therefore, this variant is classified as a Variant of Uncertain Significance.

Baylor Genetics
Classification: Uncertain significance for Familial cancer of breast. Last evaluated: 2023-08-25. Review status: criteria provided, single submitter. Criteria: ACMG Guidelines, 2015. Collection method: clinical testing. Allele origin: unknown.

Sema4
Classification: Uncertain significance for Hereditary cancer-predisposing syndrome. Last evaluated: 2021-06-01. Review status: criteria provided, single submitter. Criteria: Sema4 Curation Guidelines. Collection method: curation. Allele origin: germline.
Comment: The CDH1 c.2195G>T (p.R732L) variant has been reported in heterozygosity in at least two individuals - one with breast cancer and another with colorectal cancer (PMID: 33471991, 33365374). This variant was observed in 2/113710 chromosomes in the European (non-Finnish) population according to the Genome Aggregation Database (PMID: 32461654) and has been reported in ClinVar (Variation ID: 843802). In silico tools suggest the impact of the variant on protein function is inconclusive, though these predictions have not been confirmed by functional studies. Based on the current evidence available, this variant is interpreted as a variant of uncertain significance.

Literature cited by the submitters: PubMed 33471991 (cited by 4 submitters); PubMed 33365374 (cited by Quest Diagnostics Nichols Institute San Juan Capistrano and Sema4); PubMed 15235021 (cited by Labcorp Genetics (formerly Invitae), Labcorp); PubMed 17545690 (cited by Labcorp Genetics (formerly Invitae), Labcorp); PubMed 18442100 (cited by Labcorp Genetics (formerly Invitae), Labcorp); PubMed 26072394 (cited by Labcorp Genetics (formerly Invitae), Labcorp).